The following is an entry in ClinVar:

NM_000061.3(BTK):c.1760T>C (p.Met587Thr)

Gene: BTK (Bruton tyrosine kinase; minus strand). Cytogenetic location: Xq22.1.
Variant type: single nucleotide variant.
Coding change: c.1760T>C on transcript NM_000061.3 (MANE Select); coding-DNA position 1760, T replaced by C.
Protein change: p.Met587Thr; replaces methionine 587 with threonine.
Molecular consequence: missense variant.
Genome position (GRCh38, 1-based): chrX:101,353,342, A>G on the plus strand (T>C on the coding strand, the complement: BTK is on the minus strand). VCF-style: chrX-101353342-A-G. GRCh37 (hg19) VCF-style: chrX-100608330-A-G.
Other names: c.1862T>C, p.Met621Thr (NM_001287344.2); c.1232T>C, p.Met411Thr (NM_001287345.2); short protein forms M587T, M621T, M411T.
Identifiers: ClinVar variation 265060 (VCV000265060.2), dbSNP rs886039321, ClinGen allele CA10588731.
Genomic context (GRCh38, chrX:101,353,342, plus strand): 5'-GCAGTCTCACTGTTAGTAAATCTCTCATATGGCATCTTCCCCAGGGAGTAAATTTCCCAC[A>G]TCAAAACCCCTAGAAGGTGAAAAAAATTATTAAATTGGTTTGCAGTCTTTTTGGATAGCA-3'
Protein context (NP_000052.1, residues 577-597): KSDIWAFGVL[Met587Thr]WEIYSLGKMP

ClinVar aggregate classification (germline): Likely pathogenic (1 of 4 stars; one submission).

Submission:

GeneDx
Classification: Likely pathogenic. Last evaluated: 2016-01-18. Review status: criteria provided, single submitter. Criteria: GeneDx Variant Classification (06012015). Collection method: clinical testing. Allele origin: germline. Affected: yes.
Comment: The M587T likely pathogenic variant has been previously published in association with XLA (Noordzij et al., 2002). M587T was not observed in approximately 6,500 individuals of European and African American ancestry in the NHLBI Exome Sequencing Project, indicating it is not a common benign variant in these populations. The variant is a non-conservative amino acid substitution, which is likely to impact secondary protein structure as these residues differ in polarity, charge, size and/or other properties. This substitution occurs at a position where amino acids with similar properties to Methionine are tolerated across species, and in silico analysis predicts this variant is probably damaging to the protein structure/function. Missense variants in the same codon (M587L) and in nearby residues (G584R/V/E, V585F, W588R/C, E589K/G/D, I590F) have been reported in the Human Gene Mutation Database in association with XLA (Stenson et al., 2014), supporting the functional importance of this region of the protein. Therefore, based on the available evidence, this variant is likely pathogenic.